The following is an entry in ClinVar:

ClinVar aggregate classification (germline): Benign. Review status: criteria provided, multiple submitters, no conflicts (2 of 4 stars). 3 submissions from 3 submitters: Benign (3). Last evaluated 2021-04-21.

Conditions:
Peroxisome biogenesis disorder 8A (Zellweger). Also called: Peroxisome biogenesis disorder 8A. Identifiers: Orphanet 912, MedGen C3553959, MONDO:0013942, OMIM 614876.

Allele frequency attached by ClinVar (database versions not stated): TOPMed 0.02090; 1000 Genomes Project 0.02636; 1000 Genomes Project 30x 0.02717.
gnomAD v4.1: 4,461 of 597,212 alleles (0.75%); highest among the groups gnomAD compares: African/African-American, 6.8%; 131 homozygotes.

Submissions (3):

GeneDx
Classification: Benign. Last evaluated: 2021-04-21. Review status: criteria provided, single submitter. Criteria: GeneDx Variant Classification Process June 2021. Collection method: clinical testing. Allele origin: germline. Affected: yes.

Illumina Laboratory Services, Illumina
Classification: Benign for Peroxisome biogenesis disorder 8A (Zellweger). Last evaluated: 2018-01-13. Review status: criteria provided, single submitter. Criteria: ICSL Variant Classification Criteria 13 December 2019. Collection method: clinical testing. Allele origin: germline.
Comment: This variant was observed in the ICSL laboratory as part of a predisposition screen in an ostensibly healthy population. It had not been previously curated by ICSL or reported in the Human Gene Mutation Database (HGMD: prior to June 1st, 2018), and was therefore a candidate for classification through an automated scoring system. Utilizing variant allele frequency, disease prevalence and penetrance estimates, and inheritance mode, an automated score was calculated to assess if this variant is too frequent to cause the disease. Based on the score and internal cut-off values, a variant classified as benign is not then subjected to further curation. The score for this variant resulted in a classification of benign for this disease.

Breakthrough Genomics
Classification: Benign. Review status: criteria provided, single submitter. Criteria: ACMG Guidelines, 2015. Collection method: not provided. Allele origin: germline. Inheritance: Autosomal recessive inheritance. Affected: yes.

NM_004813.4(PEX16):c.*376G>C

Gene: PEX16 (peroxisomal biogenesis factor 16; minus strand). Cytogenetic location: 11p11.2.
Variant type: single nucleotide variant.
Coding change: c.*376G>C on transcript NM_004813.4 (MANE Select); 376 bases downstream of the stop codon, G replaced by C.
Molecular consequence: 3 prime UTR variant.
Genome position (GRCh38, 1-based): chr11:45,909,878, C>G on the plus strand (G>C on the coding strand, the complement: PEX16 is on the minus strand). VCF-style: chr11-45909878-C-G. GRCh37 (hg19) VCF-style: chr11-45931429-C-G.
Other names: c.*211G>C (NM_057174.3).
Identifiers: ClinVar variation 304776 (VCV000304776.7), dbSNP rs143868125, ClinGen allele CA10630935.